The following is an entry in ClinVar:

ClinVar aggregate classification (germline): Uncertain significance (1 of 4 stars; one submission).

Conditions:
Chédiak-Higashi syndrome (CHS). Also called: Chediak-Higashi Syndrome. Identifiers: Orphanet 167, MedGen C0007965, MONDO:0008963, OMIM 214500.

Allele frequency attached by ClinVar (database versions not stated): gnomAD 0.00001; TOPMed 0.00002.

Submission:

Labcorp Genetics (formerly Invitae), Labcorp
Classification: Uncertain significance for Chédiak-Higashi syndrome. Last evaluated: 2021-12-22. Review status: criteria provided, single submitter. Criteria: Invitae Variant Classification Sherloc (09022015). Collection method: clinical testing. Allele origin: germline.
Comment: This sequence change replaces tryptophan, which is neutral and slightly polar, with glycine, which is neutral and non-polar, at codon 3279 of the LYST protein (p.Trp3279Gly). This variant is present in population databases (no rsID available, gnomAD 0.007%). This variant has not been reported in the literature in individuals affected with LYST-related conditions. Algorithms developed to predict the effect of missense changes on protein structure and function are either unavailable or do not agree on the potential impact of this missense change (SIFT: "Deleterious"; PolyPhen-2: "Probably Damaging"; Align-GVGD: "Class C0"). In summary, the available evidence is currently insufficient to determine the role of this variant in disease. Therefore, it has been classified as a Variant of Uncertain Significance.

NM_000081.4(LYST):c.9835T>G (p.Trp3279Gly)

Gene: LYST (lysosomal trafficking regulator; minus strand). Cytogenetic location: 1q42.3.
Variant type: single nucleotide variant.
Coding change: c.9835T>G on transcript NM_000081.4 (MANE Select); coding-DNA position 9835, T replaced by G.
Protein change: p.Trp3279Gly; replaces tryptophan 3279 with glycine.
Molecular consequence: missense variant.
Genome position (GRCh38, 1-based): chr1:235,712,147, A>C on the plus strand (T>G on the coding strand, the complement: LYST is on the minus strand). VCF-style: chr1-235712147-A-C. GRCh37 (hg19) VCF-style: chr1-235875447-A-C.
Other names: c.9835T>G, p.Trp3279Gly (NM_001301365.1); short protein forms W3279G.
Identifiers: ClinVar variation 1385201 (VCV001385201.3), dbSNP rs1414143291, ClinGen allele CA344937733.